The following is an entry in ClinVar:

ClinVar aggregate classification (germline): Uncertain significance. Review status: reviewed by expert panel (3 of 4 stars). 3 submissions from 3 submitters: Uncertain significance (1). 2 of the submissions do not count toward it. Last evaluated 2024-11-13.

Conditions:
Hereditary thrombocytopenia and hematological cancer predisposition syndrome associated with RUNX1. Also called: Familial Platelet Disorder with Propensity to Acute Myelogenous Leukemia; Familial thrombocytopenia with propensity to acute myelogenous leukemia; PLATELET DISORDER, ASPIRIN-LIKE; RUNX1 Familial Platelet Disorder with Associated Myeloid Malignancies. Identifiers: Orphanet 71290, MedGen C1832388, MeSH C563324, MONDO:0100083, OMIM 601399.
Inborn genetic diseases. Identifiers: MedGen C0950123, MeSH D030342.
Hereditary thrombocytopenia and hematologic cancer predisposition syndrome. Identifiers: Orphanet 71290, MedGen CN281654, MONDO:0011071.

Allele frequency attached by ClinVar (database versions not stated): gnomAD 0.00001.
gnomAD v4.1: 1 of 1,542,098 alleles (0.000065%); highest among the groups gnomAD compares: African/African-American, 0.0014%; no homozygotes.

Submissions (3):

ClinGen Myeloid Malignancy Variant Curation Expert Panel
Classification: Uncertain significance for Hereditary thrombocytopenia and hematologic cancer predisposition syndrome. Last evaluated: 2024-11-13. Review status: reviewed by expert panel. Criteria: ClinGen MyeloMalig ACMG Specifications v2. Collection method: curation. Allele origin: germline. Inheritance: Autosomal dominant inheritance.
Comment: NM_001754.5(RUNX1):c.1284C>G (p.Ile428Met) is a missense variant which has a REVEL score < 0.50 (0.187), and a SpliceAI score ≤ 0.20 (0.0) (BP4). In summary, the clinical significance of this variant is uncertain. ACMG/AMP criteria applied, as specified by the Myeloid Malignancy Variant Curation Expert Panel for RUNX1: BP4.

Ambry Genetics
Classification: Uncertain significance for Inborn genetic diseases. Last evaluated: 2025-08-30. Review status: criteria provided, single submitter. Criteria: Ambry Variant Classification Scheme 2023. Collection method: clinical testing. Allele origin: germline. Not counted in ClinVar's aggregate classification.
Comment: The p.I428M variant (also known as c.1284C>G), located in coding exon 8 of the RUNX1 gene, results from a C to G substitution at nucleotide position 1284. The isoleucine at codon 428 is replaced by methionine, an amino acid with highly similar properties. This amino acid position is conserved. In addition, this alteration is predicted to be tolerated by in silico analysis. Based on the available evidence, the clinical significance of this variant remains unclear.

Labcorp Genetics (formerly Invitae), Labcorp
Classification: Uncertain significance for Hereditary thrombocytopenia and hematological cancer predisposition syndrome associated with RUNX1. Last evaluated: 2023-01-25. Review status: criteria provided, single submitter. Criteria: Invitae Variant Classification Sherloc (09022015). Collection method: clinical testing. Allele origin: germline. Not counted in ClinVar's aggregate classification.
Comment: In summary, the available evidence is currently insufficient to determine the role of this variant in disease. Therefore, it has been classified as a Variant of Uncertain Significance. Algorithms developed to predict the effect of missense changes on protein structure and function (SIFT, PolyPhen-2, Align-GVGD) all suggest that this variant is likely to be tolerated. This variant has not been reported in the literature in individuals affected with RUNX1-related conditions. This variant is not present in population databases (gnomAD no frequency). This sequence change replaces isoleucine, which is neutral and non-polar, with methionine, which is neutral and non-polar, at codon 428 of the RUNX1 protein (p.Ile428Met).

NM_001754.5(RUNX1):c.1284C>G (p.Ile428Met)

Gene: RUNX1 (RUNX family transcription factor 1; minus strand). Cytogenetic location: 21q22.12.
Variant type: single nucleotide variant.
Coding change: c.1284C>G on transcript NM_001754.5 (MANE Select); coding-DNA position 1284, C replaced by G.
Protein change: p.Ile428Met; replaces isoleucine 428 with methionine.
Molecular consequence: missense variant.
Genome position (GRCh38, 1-based): chr21:34,792,294, G>C on the plus strand (C>G on the coding strand, the complement: RUNX1 is on the minus strand). VCF-style: chr21-34792294-G-C. GRCh37 (hg19) VCF-style: chr21-36164591-G-C.
Other names: NM_001754.5(RUNX1):c.1284C>G; p.Ile428Met; c.1203C>G, p.Ile401Met (NM_001001890.3); short protein forms I401M, I428M.
Identifiers: ClinVar variation 2728942 (VCV002728942.5), dbSNP rs2056451041, ClinGen allele CA410147511.